The following is an entry in ClinVar:

ClinVar aggregate classification (germline): Benign. Review status: criteria provided, multiple submitters, no conflicts (2 of 4 stars). 3 submissions from 2 submitters: Benign (3). Last evaluated 2018-01-12.

Conditions:
Short-rib thoracic dysplasia 7 with or without polydactyly (SRTD7). Also called: Short rib polydactyly syndrome 5; SHORT-RIB THORACIC DYSPLASIA 7 WITH POLYDACTYLY. Identifiers: Orphanet 498497, Orphanet 93271, MedGen C3279792, MONDO:0013569, OMIM 614091.
Cranioectodermal dysplasia 2 (CED2). Identifiers: Orphanet 1515, MedGen C3150874, MONDO:0013323, OMIM 613610.

Allele frequency attached by ClinVar (database versions not stated): TOPMed 0.01370; gnomAD 0.01385 and 0.01432; 1000 Genomes Project 30x 0.02280; 1000 Genomes Project 0.02476.

Submissions (3):

Illumina Laboratory Services, Illumina
Classification: Benign for Cranioectodermal dysplasia 2. Last evaluated: 2018-01-12. Review status: criteria provided, single submitter. Criteria: ICSL Variant Classification Criteria 13 December 2019. Collection method: clinical testing. Allele origin: germline.
Comment: This variant was observed in the ICSL laboratory as part of a predisposition screen in an ostensibly healthy population. It had not been previously curated by ICSL or reported in the Human Gene Mutation Database (HGMD: prior to June 1st, 2018), and was therefore a candidate for classification through an automated scoring system. Utilizing variant allele frequency, disease prevalence and penetrance estimates, and inheritance mode, an automated score was calculated to assess if this variant is too frequent to cause the disease. Based on the score and internal cut-off values, a variant classified as benign is not then subjected to further curation. The score for this variant resulted in a classification of benign for this disease.

Illumina Laboratory Services, Illumina
Classification: Benign for Short-rib thoracic dysplasia 7 with or without polydactyly. Last evaluated: 2018-01-12. Review status: criteria provided, single submitter. Criteria: ICSL Variant Classification Criteria 13 December 2019. Collection method: clinical testing. Allele origin: germline.
Comment: the same text as in the submission from Illumina Laboratory Services, Illumina above.

Breakthrough Genomics
Classification: Benign. Review status: criteria provided, single submitter. Criteria: ACMG Guidelines, 2015. Collection method: not provided. Allele origin: germline. Inheritance: Autosomal recessive inheritance. Affected: yes.

NM_020779.4(WDR35):c.*1129C>T

Gene: WDR35 (WD repeat domain 35; minus strand). Cytogenetic location: 2p24.1.
Variant type: single nucleotide variant.
Coding change: c.*1129C>T on transcript NM_020779.4 (MANE Select); 1129 bases downstream of the stop codon, C replaced by T.
Molecular consequence: 3 prime UTR variant.
Genome position (GRCh38, 1-based): chr2:19,912,429, G>A on the plus strand (C>T on the coding strand, the complement: WDR35 is on the minus strand). VCF-style: chr2-19912429-G-A. GRCh37 (hg19) VCF-style: chr2-20112190-G-A.
Other names: c.*1129C>T (NM_001006657.2).
Identifiers: ClinVar variation 333350 (VCV000333350.6), dbSNP rs76845713, ClinGen allele CA10613432.